The following is an entry in ClinVar:

ClinVar aggregate classification (germline): Uncertain significance (1 of 4 stars; one submission).

Submission:

Women's Health and Genetics/Laboratory Corporation of America, LabCorp
Classification: Uncertain significance. Last evaluated: 2026-06-10. Review status: criteria provided, single submitter. Criteria: LabCorp Variant Classification Summary - May 2015. Collection method: clinical testing. Allele origin: germline.
Comment: Variant summary: RNU7-1 n.-4G>A is located in the untranscribed region upstream of the RNU7-1 gene region. The variant allele was found at a frequency of 0.00045 in 31410 control chromosomes. This frequency is not significantly higher than estimated for disease-causing variants in RNU7-1, allowing no conclusion about variant significance. To our knowledge, no occurrence of n.-4G>A in individuals affected with RNU7-1-related conditions and no experimental evidence demonstrating its impact on protein function have been reported. No submitters have cited clinical-significance assessments for this variant to ClinVar. Based on the evidence outlined above, the variant was classified as uncertain significance.

NC_000012.12:g.6943812G>A

Genes: C12orf57 (chromosome 12 open reading frame 57; plus strand), RNU7-1 (RNA, U7 small nuclear 1; plus strand). Cytogenetic location: 12p13.31.
Variant type: single nucleotide variant.
Molecular consequence: intron variant (on NM_001301836.2).
Genome position: GRCh38 VCF-style: chr12-6943812-G-A. GRCh37 (hg19) VCF-style: chr12-7052975-G-A.
Other names: c.13+150G>A (NM_001301836.2); c.-16+150G>A (NM_001301834.1).
Identifiers: ClinVar variation 4887390 (VCV004887390.1).